The following is an entry in ClinVar:

ClinVar aggregate classification (germline): Uncertain significance. Review status: criteria provided, single submitter (1 of 4 stars). 2 submissions from 2 submitters: Uncertain significance (1). 1 of the submissions does not count toward it. Last evaluated 2023-12-28.

Conditions:
Inborn genetic diseases. Identifiers: MedGen C0950123, MeSH D030342.
EIF2B4-related disorder. Also called: EIF2B4-related condition.

Allele frequency attached by ClinVar (database versions not stated): ExAC 0.00001; gnomAD exomes 0.00001.
gnomAD v4.1: 3 of 1,614,208 alleles (0.00019%); highest among the groups gnomAD compares: South Asian, 0.0033%; no homozygotes.

Submissions (2):

Ambry Genetics
Classification: Uncertain significance for Inborn genetic diseases. Last evaluated: 2023-12-28. Review status: criteria provided, single submitter. Criteria: Ambry Variant Classification Scheme 2023. Collection method: clinical testing. Allele origin: germline.

PreventionGenetics, part of Exact Sciences
Classification: Uncertain significance for EIF2B4-related condition. Last evaluated: 2023-10-20. Review status: no assertion criteria provided. Collection method: clinical testing. Allele origin: germline. Not counted in ClinVar's aggregate classification.
Comment: The EIF2B4 c.905C>T variant is predicted to result in the amino acid substitution p.Ala302Val. To our knowledge, this variant has not been reported in the literature. This variant is reported in 0.0065% of alleles in individuals of South Asian descent in gnomAD. At this time, the clinical significance of this variant is uncertain due to the absence of conclusive functional and genetic evidence.

NM_001034116.2(EIF2B4):c.905C>T (p.Ala302Val)

Genes: EIF2B4 (eukaryotic translation initiation factor 2B subunit delta; minus strand), GTF3C2-AS2 (GTF3C2 antisense RNA 2; plus strand). Cytogenetic location: 2p23.3.
Variant type: single nucleotide variant.
Coding change: c.905C>T on transcript NM_001034116.2 (MANE Select); coding-DNA position 905, C replaced by T.
Protein change: p.Ala302Val; replaces alanine 302 with valine.
Molecular consequence: missense variant.
Genome position (GRCh38, 1-based): chr2:27,367,182, G>A on the plus strand (C>T on the coding strand, the complement: EIF2B4 is on the minus strand). VCF-style: chr2-27367182-G-A. GRCh37 (hg19) VCF-style: chr2-27590049-G-A.
Other names: c.968C>T, p.Ala323Val (NM_001318965.2); c.860C>T, p.Ala287Val (NM_001318966.2); c.812C>T, p.Ala271Val (NM_001318967.2); c.320C>T, p.Ala107Val (NM_001318968.2); c.287C>T, p.Ala96Val (NM_001318969.2); c.902C>T, p.Ala301Val (NM_015636.4); c.965C>T, p.Ala322Val (NM_172195.4); c.902C>T (NM_015636.3); short protein forms A107V, A271V, A287V, A301V, A302V, A322V, A323V, A96V.
Identifiers: ClinVar variation 3054385 (VCV003054385.3), dbSNP rs780909643, ClinGen allele CA1576706.